The following is an entry in ClinVar:

NM_000540.3(RYR1):c.1703T>C (p.Ile568Thr)

Gene: RYR1 (ryanodine receptor 1; plus strand). Cytogenetic location: 19q13.2.
Variant type: single nucleotide variant.
Coding change: c.1703T>C on transcript NM_000540.3 (MANE Select); coding-DNA position 1703, T replaced by C.
Protein change: p.Ile568Thr; replaces isoleucine 568 with threonine.
Molecular consequence: missense variant.
Genome position (GRCh38, 1-based): chr19:38,455,663, T>C. VCF-style: chr19-38455663-T-C. GRCh37 (hg19) VCF-style: chr19-38946303-T-C.
Other names: c.1703T>C, p.Ile568Thr (NM_001042723.2); short protein forms I568T.
Identifiers: ClinVar variation 3070110 (VCV003070110.1), dbSNP rs1347063687, ClinGen allele CA405691082.

ClinVar aggregate classification (germline): Uncertain significance (1 of 4 stars; one submission).

Conditions:
Malignant hyperthermia, susceptibility to, 1 (MHS1). Also called: RYR1-Related Malignant Hyperthermia Susceptibility; Anesthesia related hyperthermia; Malignant hyperpyrexia; Fulminating hyperpyrexia; Pharmacogenic myopathy; Malignant hyperthermia suceptibility 1. Identifiers: Orphanet 423, MedGen C2930980, MONDO:0007783, OMIM 145600.

gnomAD v4.1: 1 of 1,613,932 alleles (0.000062%); highest among the groups gnomAD compares: South Asian, 0.0011%; no homozygotes.

Submission:

All of Us Research Program, National Institutes of Health
Classification: Uncertain significance for Malignant hyperthermia, susceptibility to, 1. Last evaluated: 2023-04-03. Review status: criteria provided, single submitter. Criteria: ACMG Guidelines, 2015. Collection method: clinical testing. Allele origin: germline. Inheritance: Autosomal dominant inheritance. Observed: 1 variant allele, 1 heterozygote.
Comment: This missense variant replaces isoleucine with threonine at codon 568 of the RYR1 protein. Computational prediction suggests that this variant may have deleterious impact on protein structure and function (internally defined REVEL score threshold >= 0.7, PMID: 27666373). To our knowledge, functional studies have not been reported for this variant. This variant has not been reported in individuals affected with RYR1-related disorders in the literature. This variant has been identified in 1/251470 chromosomes in the general population by the Genome Aggregation Database (gnomAD). The available evidence is insufficient to determine the role of this variant in disease conclusively. Therefore, this variant is classified as a Variant of Uncertain Significance.

This study involves interpretation of variants in research participants for the purpose of population health screening. Participant phenotype was not available at the time of variant classification. Additional details can be found in publication PMID: 35346344, PMCID: PMC8962531